The following is an entry in ClinVar:

NM_001001557.4(GDF6):c.1330T>A (p.Tyr444Asn)

Gene: GDF6 (growth differentiation factor 6; minus strand). Cytogenetic location: 8q22.1.
Variant type: single nucleotide variant.
Coding change: c.1330T>A on transcript NM_001001557.4 (MANE Select); coding-DNA position 1330, T replaced by A.
Protein change: p.Tyr444Asn; replaces tyrosine 444 with asparagine.
Molecular consequence: missense variant.
Genome position (GRCh38, 1-based): chr8:96,144,601, A>T on the plus strand (T>A on the coding strand, the complement: GDF6 is on the minus strand). VCF-style: chr8-96144601-A-T. GRCh37 (hg19) VCF-style: chr8-97156829-A-T.
Other names: short protein forms Y444N.
Identifiers: ClinVar variation 495116 (VCV000495116.2), dbSNP rs1554571213, ClinGen allele CA371749438.

ClinVar aggregate classification (germline): Pathogenic. Review status: criteria provided, single submitter (1 of 4 stars). 2 submissions from 2 submitters: Pathogenic (1). 1 of the submissions does not count toward it. Last evaluated 2018-10-15.

Conditions:
Multiple synostoses syndrome 4. Identifiers: MedGen C4693531, MONDO:0054752, OMIM 617898.

Submissions (2):

SIB Swiss Institute of Bioinformatics
Classification: Pathogenic for Multiple synostoses syndrome 4. Last evaluated: 2018-10-15. Review status: criteria provided, single submitter. Criteria: ACMG Guidelines, 2015. Collection method: curation. Allele origin: unknown.
Comment: This variant is interpreted as Pathogenic, for Multiple synostoses syndrome 4, autosomal dominant. The following ACMG Tag(s) were applied: PM2 => Absent from controls (or at extremely low frequency if recessive) in Exome Sequencing Project, 1000 Genomes Project, or Exome Aggregation Consortium. PP3 => Multiple lines of computational evidence support a deleterious effect on the gene or gene product. PS3 => Well-established functional studies show a deleterious effect (PubMed 26643732). PP1-Strong => PP1 upgraded in strength to Strong (PubMed 26643732).

OMIM
Classification: Pathogenic for MULTIPLE SYNOSTOSES SYNDROME 4. Last evaluated: 2018-03-13. Review status: no assertion criteria provided. Collection method: literature only. Allele origin: germline. Not counted in ClinVar's aggregate classification.

Literature cited by the submitters: PubMed 26643732 (cited by SIB Swiss Institute of Bioinformatics and OMIM).